The following is an entry in ClinVar:

NM_005670.4(EPM2A):c.903G>A (p.Pro301=)

Gene: EPM2A (EPM2A glucan phosphatase, laforin; minus strand). Cytogenetic location: 6q24.3.
Variant type: single nucleotide variant.
Coding change: c.903G>A on transcript NM_005670.4 (MANE Select); coding-DNA position 903, G replaced by A.
Protein change: p.Pro301=; no amino-acid change (proline 301 retained).
Molecular consequence: synonymous variant. On other transcripts: missense variant (1), non-coding transcript variant (1).
Genome position (GRCh38, 1-based): chr6:145,627,509, C>T on the plus strand (G>A on the coding strand, the complement: EPM2A is on the minus strand). VCF-style: chr6-145627509-C-T. GRCh37 (hg19) VCF-style: chr6-145948645-C-T.
Other names: c.903G>A, p.Pro301= (NM_001018041.2); c.661G>A, p.Gly221Ser (NM_001360057.2); c.489G>A, p.Pro163= (NM_001360064.2, NM_001360071.2, NM_001368131.1); c.441G>A, p.Pro147= (NM_001368129.2, NM_001368132.1); short protein forms G221S.
Identifiers: ClinVar variation 511983 (VCV000511983.9), dbSNP rs141361861, ClinGen allele CA4035047.
Genomic context (GRCh38, chr6:145,627,509, plus strand): 5'-AAATTTCTGGAAAAAATCTTCTTGTGCCCGGGCCAAGGCCTCTTCGTCAATGTAGACAGC[C>T]GGCCTCTTGGCCATGAGGAAATACTGCACCTTCCTCAGATTCCAGCCCATCACATACTGG-3'
Protein context (NP_005661.1, residues 291-311): KVQYFLMAKR[Pro301=]AVYIDEEALA

ClinVar aggregate classification (germline): Likely benign. Review status: criteria provided, multiple submitters, no conflicts (2 of 4 stars). 2 submissions from 2 submitters: Likely benign (2). Last evaluated 2025-03-17.

Conditions:
Progressive myoclonic epilepsy. Also called: Myoclonus epilepsy; Familial progressive myoclonic epilepsy; Progressive myoclonus epilepsy; Myoclonic Epilepsies, Progressive. Identifiers: Orphanet 308, Orphanet 98261, MedGen C0751778, MONDO:0020074.

Allele frequency attached by ClinVar (database versions not stated): TOPMed 0.00001.
gnomAD v4.1: 43 of 1,614,130 alleles (0.0027%); highest among the groups gnomAD compares: East Asian, 0.0022%; no homozygotes.

Submissions (2):

Labcorp Genetics (formerly Invitae), Labcorp
Classification: Likely benign for Progressive myoclonic epilepsy. Last evaluated: 2025-03-17. Review status: criteria provided, single submitter. Criteria: Invitae Variant Classification Sherloc (09022015). Collection method: clinical testing. Allele origin: germline.

GeneDx
Classification: Likely benign. Last evaluated: 2017-09-12. Review status: criteria provided, single submitter. Criteria: GeneDx Variant Classification (06012015). Collection method: clinical testing. Allele origin: germline. Affected: yes.
Comment: This variant is considered likely benign or benign based on one or more of the following criteria: it is a conservative change, it occurs at a poorly conserved position in the protein, it is predicted to be benign by multiple in silico algorithms, and/or has population frequency not consistent with disease.